The following is an entry in ClinVar:

NM_000030.3(AGXT):c.824G>A (p.Ser275Asn)

Gene: AGXT (alanine--glyoxylate aminotransferase; plus strand). Cytogenetic location: 2q37.3.
Variant type: single nucleotide variant.
Coding change: c.824G>A on transcript NM_000030.3 (MANE Select); coding-DNA position 824, G replaced by A.
Protein change: p.Ser275Asn; replaces serine 275 with asparagine.
Molecular consequence: missense variant.
Genome position (GRCh38, 1-based): chr2:240,875,982, G>A. VCF-style: chr2-240875982-G-A. GRCh37 (hg19) VCF-style: chr2-241815399-G-A.
Other names: short protein forms S275N.
Identifiers: ClinVar variation 1484049 (VCV001484049.11), dbSNP rs767607960, ClinGen allele CA351318386.

ClinVar aggregate classification (germline): Likely pathogenic. Review status: criteria provided, multiple submitters, no conflicts (2 of 4 stars). 3 submissions from 3 submitters: Likely pathogenic (2). 1 of the submissions does not count toward it. Last evaluated 2022-02-04.

Conditions:
Primary hyperoxaluria, type I (HP1). Also called: GLYCOLIC ACIDURIA; HEPATIC AGT DEFICIENCY; OXALOSIS I; Primary hyperoxaluria type 1. Identifiers: Orphanet 416, Orphanet 93598, MedGen C0268164, MONDO:0009823, OMIM 259900. Disease mechanism: loss of function.

Submissions (3):

Labcorp Genetics (formerly Invitae), Labcorp
Classification: Likely pathogenic. Last evaluated: 2022-02-04. Review status: criteria provided, single submitter. Criteria: Invitae Variant Classification Sherloc (09022015). Collection method: clinical testing. Allele origin: germline.
Comment: This variant is not present in population databases (gnomAD no frequency). This sequence change replaces serine, which is neutral and polar, with asparagine, which is neutral and polar, at codon 275 of the AGXT protein (p.Ser275Asn). This missense change has been observed in individual(s) with primary hyperoxaluria type 1 (PMID: 32556641). In summary, the currently available evidence indicates that the variant is pathogenic, but additional data are needed to prove that conclusively. Therefore, this variant has been classified as Likely Pathogenic. Advanced modeling of protein sequence and biophysical properties (such as structural, functional, and spatial information, amino acid conservation, physicochemical variation, residue mobility, and thermodynamic stability) performed at Invitae indicates that this missense variant is expected to disrupt AGXT protein function.

Kariminejad - Najmabadi Pathology & Genetics Center
Classification: Likely pathogenic for Primary hyperoxaluria, type I. Review status: criteria provided, single submitter. Criteria: ACMG Guidelines, 2015. Collection method: clinical testing. Allele origin: germline. Affected: no.

Chinese Inherited Urolithiasis Consortium, The Affiliated Yantai Yuhuangding Hospital of Qingdao University
Classification: Likely pathogenic for Primary hyperoxaluria, type I. Last evaluated: 2024-08-26. Review status: no assertion criteria provided. Collection method: clinical testing. Allele origin: maternal, biparental. Affected: yes. Observed: 2 variant alleles. Not counted in ClinVar's aggregate classification.

Literature cited by the submitters: PubMed 32556641 (cited by Labcorp Genetics (formerly Invitae), Labcorp).